The following is an entry in ClinVar:

NM_174934.4(SCN4B):c.373G>A (p.Asp125Asn)

Genes: SCN4B (sodium voltage-gated channel beta subunit 4; minus strand), LOC126861356 (BRD4-independent group 4 enhancer GRCh37_chr11:118014519-118015718; plus strand). Cytogenetic location: 11q23.3.
Variant type: single nucleotide variant.
Coding change: c.373G>A on transcript NM_174934.4 (MANE Select); coding-DNA position 373, G replaced by A.
Protein change: p.Asp125Asn; replaces aspartic acid 125 with asparagine.
Molecular consequence: missense variant. On other transcripts: intron variant (1).
Genome position (GRCh38, 1-based): chr11:118,143,923, C>T on the plus strand (G>A on the coding strand, the complement: SCN4B is on the minus strand). VCF-style: chr11-118143923-C-T. GRCh37 (hg19) VCF-style: chr11-118014638-C-T.
Other names: c.43G>A, p.Asp15Asn (NM_001142349.2); c.62-2587G>A (NM_001142348.2); short protein forms D125N, D15N.
Identifiers: ClinVar variation 961525 (VCV000961525.10), dbSNP rs1353607051, ClinGen allele CA382778114.

ClinVar aggregate classification (germline): Uncertain significance (1 of 4 stars; one submission).

Conditions:
Long QT syndrome 10 (LQT10). Identifiers: Orphanet 101016, Orphanet 768, MedGen C2678484, MONDO:0012737, OMIM 611819.

Allele frequency attached by ClinVar (database versions not stated): gnomAD exomes 0.00001 and 0.00002; TOPMed 0.00001.

Submission:

Labcorp Genetics (formerly Invitae), Labcorp
Classification: Uncertain significance for Long QT syndrome 10. Last evaluated: 2019-10-28. Review status: criteria provided, single submitter. Criteria: Invitae Variant Classification Sherloc (09022015). Collection method: clinical testing. Allele origin: germline.
Comment: This variant has not been reported in the literature in individuals with SCN4B-related conditions. In summary, the available evidence is currently insufficient to determine the role of this variant in disease. Therefore, it has been classified as a Variant of Uncertain Significance. Algorithms developed to predict the effect of missense changes on protein structure and function are either unavailable or do not agree on the potential impact of this missense change (SIFT: "Deleterious"; PolyPhen-2: "Probably Damaging"; Align-GVGD: "Class C15"). This variant is not present in population databases (ExAC no frequency). This sequence change replaces aspartic acid with asparagine at codon 125 of the SCN4B protein (p.Asp125Asn). The aspartic acid residue is highly conserved and there is a small physicochemical difference between aspartic acid and asparagine.